The following is an entry in ClinVar:

ClinVar aggregate classification (germline): Uncertain significance (1 of 4 stars; one submission).

Submission:

Labcorp Genetics (formerly Invitae), Labcorp
Classification: Uncertain significance. Last evaluated: 2025-02-10. Review status: criteria provided, single submitter. Criteria: Invitae Variant Classification Sherloc (09022015). Collection method: clinical testing. Allele origin: germline.
Comment: This sequence change replaces serine, which is neutral and polar, with threonine, which is neutral and polar, at codon 80 of the EIF2B1 protein (p.Ser80Thr). This variant is not present in population databases (gnomAD no frequency). This variant has not been reported in the literature in individuals affected with EIF2B1-related conditions. ClinVar contains an entry for this variant (Variation ID: 2124902). An algorithm developed to predict the effect of missense changes on protein structure and function (PolyPhen-2) suggests that this variant is likely to be tolerated. In summary, the available evidence is currently insufficient to determine the role of this variant in disease. Therefore, it has been classified as a Variant of Uncertain Significance.

NM_001414.4(EIF2B1):c.238T>A (p.Ser80Thr)

Gene: EIF2B1 (eukaryotic translation initiation factor 2B subunit alpha; minus strand). Cytogenetic location: 12q24.31.
Variant type: single nucleotide variant.
Coding change: c.238T>A on transcript NM_001414.4 (MANE Select); coding-DNA position 238, T replaced by A.
Protein change: p.Ser80Thr; replaces serine 80 with threonine.
Molecular consequence: missense variant.
Genome position (GRCh38, 1-based): chr12:123,630,411, A>T on the plus strand (T>A on the coding strand, the complement: EIF2B1 is on the minus strand). VCF-style: chr12-123630411-A-T. GRCh37 (hg19) VCF-style: chr12-124114958-A-T.
Other names: short protein forms S80T.
Identifiers: ClinVar variation 2124902 (VCV002124902.4), dbSNP rs2541676040, ClinGen allele CA387145691.